The following is an entry in ClinVar:

ClinVar aggregate classification (germline): Uncertain significance (1 of 4 stars; one submission).

Submission:

Labcorp Genetics (formerly Invitae), Labcorp
Classification: Uncertain significance. Last evaluated: 2023-12-09. Review status: criteria provided, single submitter. Criteria: Invitae Variant Classification Sherloc (09022015). Collection method: clinical testing. Allele origin: germline.
Comment: This sequence change disrupts the translational stop signal of the COL2A1 mRNA. It is expected to extend the length of the COL2A1 protein by 34 additional amino acid residues. This variant is not present in population databases (gnomAD no frequency). This variant has not been reported in the literature in individuals affected with COL2A1-related conditions. Experimental studies and prediction algorithms are not available or were not evaluated, and the functional significance of this variant is currently unknown. In summary, the available evidence is currently insufficient to determine the role of this variant in disease. Therefore, it has been classified as a Variant of Uncertain Significance.

NM_001844.5(COL2A1):c.4462T>A (p.Ter1488Lys)

Gene: COL2A1 (collagen type II alpha 1 chain; minus strand). Cytogenetic location: 12q13.11.
Variant type: single nucleotide variant.
Coding change: c.4462T>A on transcript NM_001844.5 (MANE Select); coding-DNA position 4462, T replaced by A.
Protein change: p.Ter1488Lys.
Molecular consequence: stop lost.
Genome position (GRCh38, 1-based): chr12:47,973,409, A>T on the plus strand (T>A on the coding strand, the complement: COL2A1 is on the minus strand). VCF-style: chr12-47973409-A-T. GRCh37 (hg19) VCF-style: chr12-48367192-A-T.
Other names: c.4255T>A, p.Ter1419Lys (NM_033150.3).
Identifiers: ClinVar variation 2701663 (VCV002701663.3), dbSNP rs2540090981, ClinGen allele CA384533067.